The following is an entry in ClinVar:

NM_020461.4(TUBGCP6):c.4516_4520delinsGACTA (p.Tyr1506_Phe1507delinsAspTyr)

Gene: TUBGCP6 (tubulin gamma complex component 6; minus strand). Cytogenetic location: 22q13.33.
Variant type: Indel.
Coding change: c.4516_4520delinsGACTA on transcript NM_020461.4 (MANE Select); coding-DNA positions 4516 to 4520, TACTT replaced by GACTA.
Protein change: p.Tyr1506_Phe1507delinsAspTyr.
Molecular consequence: missense variant.
Genome position (GRCh38, 1-based): chr22:50,219,174-50,219,178, AAGTA replaced by TAGTC on the plus strand (TACTT replaced by GACTA on the coding strand, the reverse complement: TUBGCP6 is on the minus strand). VCF-style: chr22-50219174-AAGTA-TAGTC. GRCh37 (hg19) VCF-style: chr22-50657603-AAGTA-TAGTC.
Identifiers: ClinVar variation 2888931 (VCV002888931.3), dbSNP rs2064470788, ClinGen allele CA1139667173.

ClinVar aggregate classification (germline): Uncertain significance (1 of 4 stars; one submission).

Submission:

Labcorp Genetics (formerly Invitae), Labcorp
Classification: Uncertain significance. Last evaluated: 2022-02-03. Review status: criteria provided, single submitter. Criteria: Invitae Variant Classification Sherloc (09022015). Collection method: clinical testing. Allele origin: germline.
Comment: Experimental studies and prediction algorithms are not available or were not evaluated, and the functional significance of this variant is currently unknown. This variant has not been reported in the literature in individuals affected with TUBGCP6-related conditions. Information on the frequency of this variant in the gnomAD database is not available, as this variant may be reported differently in the database. This variant, c.4516_4520delinsGACTA, is a complex sequence change that results in the deletion of 2 and insertion of 2 amino acid(s) in the TUBGCP6 protein (p.Tyr1506_Phe1507delinsAspTyr). In summary, the available evidence is currently insufficient to determine the role of this variant in disease. Therefore, it has been classified as a Variant of Uncertain Significance.